The following is an entry in ClinVar:

ClinVar aggregate classification (germline): Uncertain significance (1 of 4 stars; one submission).

Submission:

Labcorp Genetics (formerly Invitae), Labcorp
Classification: Uncertain significance. Last evaluated: 2021-07-04. Review status: criteria provided, single submitter. Criteria: Invitae Variant Classification Sherloc (09022015). Collection method: clinical testing. Allele origin: germline.
Comment: This variant results in a copy number gain of the genomic region encompassing exon(s) 1-5 of the STAG2 gene. This region includes the initiator codon of the gene. The 5' end of this event is unknown as it extends beyond the assayed region for this gene and therefore may encompass additional genes. The 3' boundary is likely confined to intron 5 of the STAG2 gene. As the precise location of this event is unknown, it may be in tandem or it may be located elsewhere in the genome. This variant has not been reported in the literature in individuals affected with STAG2-related conditions. In summary, the available evidence is currently insufficient to determine the role of this variant in disease. Therefore, it has been classified as a Variant of Uncertain Significance.

NC_000023.10:g.(?_123025068)_(123164995_?)dup

Genes: STAG2 (STAG2 cohesin complex component; plus strand), XIAP (X-linked inhibitor of apoptosis; plus strand). Cytogenetic location: Xq25.
Variant type: Duplication.
Identifiers: ClinVar variation 2423583 (VCV002423583.3).